The following is an entry in ClinVar:

ClinVar aggregate classification (germline): Uncertain significance (1 of 4 stars; one submission).

Allele frequency attached by ClinVar (database versions not stated): ExAC 0.00001; TOPMed 0.00002; gnomAD 0.00003; gnomAD exomes 0.00003.

Submission:

Labcorp Genetics (formerly Invitae), Labcorp
Classification: Uncertain significance. Last evaluated: 2025-12-03. Review status: criteria provided, single submitter. Criteria: Invitae Variant Classification Sherloc (09022015). Collection method: clinical testing. Allele origin: germline.
Comment: This sequence change replaces arginine, which is basic and polar, with histidine, which is basic and polar, at codon 427 of the DLL4 protein (p.Arg427His). The frequency data for this variant in the population databases is considered unreliable, as metrics indicate poor data quality at this position in the gnomAD database. This variant has not been reported in the literature in individuals affected with DLL4-related conditions. ClinVar contains an entry for this variant (Variation ID: 1400300). Invitae Evidence Modeling of protein sequence and biophysical properties (such as structural, functional, and spatial information, amino acid conservation, physicochemical variation, residue mobility, and thermodynamic stability) indicates that this missense variant is not expected to disrupt DLL4 protein function with a negative predictive value of 80%. In summary, the available evidence is currently insufficient to determine the role of this variant in disease. Therefore, it has been classified as a Variant of Uncertain Significance.

NM_019074.4(DLL4):c.1280G>A (p.Arg427His)

Gene: DLL4 (delta like canonical Notch ligand 4; plus strand). Cytogenetic location: 15q15.1.
Variant type: single nucleotide variant.
Coding change: c.1280G>A on transcript NM_019074.4 (MANE Select); coding-DNA position 1280, G replaced by A.
Protein change: p.Arg427His; replaces arginine 427 with histidine.
Molecular consequence: missense variant.
Genome position (GRCh38, 1-based): chr15:40,936,267, G>A. VCF-style: chr15-40936267-G-A. GRCh37 (hg19) VCF-style: chr15-41228465-G-A.
Other names: short protein forms R427H.
Identifiers: ClinVar variation 1400300 (VCV001400300.9), dbSNP rs771130564, ClinGen allele CA7487907.